The following is an entry in ClinVar:

NM_017882.3(CLN6):c.358T>A (p.Phe120Ile)

Gene: CLN6 (CLN6 transmembrane ER protein; minus strand). Cytogenetic location: 15q23.
Variant type: single nucleotide variant.
Coding change: c.358T>A on transcript NM_017882.3 (MANE Select); coding-DNA position 358, T replaced by A.
Protein change: p.Phe120Ile; replaces phenylalanine 120 with isoleucine.
Molecular consequence: missense variant.
Genome position (GRCh38, 1-based): chr15:68,211,803, A>T on the plus strand (T>A on the coding strand, the complement: CLN6 is on the minus strand). VCF-style: chr15-68211803-A-T. GRCh37 (hg19) VCF-style: chr15-68504141-A-T.
Other names: short protein forms F120I.
Identifiers: ClinVar variation 1000477 (VCV001000477.4), dbSNP rs1433821186, ClinGen allele CA392973581.

ClinVar aggregate classification (germline): Uncertain significance (1 of 4 stars; one submission).

Conditions:
Neuronal ceroid lipofuscinosis. Also called: Neuronal Ceroid Lipofuscinoses. Identifiers: Orphanet 216, Orphanet 79263, MedGen C0027877, MONDO:0016295. Disease mechanism: loss of function.

Allele frequency attached by ClinVar (database versions not stated): TOPMed below 0.00001; gnomAD exomes 0.00001.
gnomAD v4.1: 9 of 1,613,922 alleles (0.00056%); highest among the groups gnomAD compares: African/African-American, 0.0013%; no homozygotes.

Submission:

Labcorp Genetics (formerly Invitae), Labcorp
Classification: Uncertain significance for Neuronal ceroid lipofuscinosis. Last evaluated: 2022-03-19. Review status: criteria provided, single submitter. Criteria: Invitae Variant Classification Sherloc (09022015). Collection method: clinical testing. Allele origin: germline.
Comment: This sequence change replaces phenylalanine, which is neutral and non-polar, with isoleucine, which is neutral and non-polar, at codon 120 of the CLN6 protein (p.Phe120Ile). This variant is present in population databases (no rsID available, gnomAD 0.002%). This variant has not been reported in the literature in individuals affected with CLN6-related conditions. ClinVar contains an entry for this variant (Variation ID: 1000477). Algorithms developed to predict the effect of missense changes on protein structure and function (SIFT, PolyPhen-2, Align-GVGD) all suggest that this variant is likely to be tolerated. In summary, the available evidence is currently insufficient to determine the role of this variant in disease. Therefore, it has been classified as a Variant of Uncertain Significance.